The following is an entry in ClinVar:

ClinVar aggregate classification (germline): Uncertain significance. Review status: criteria provided, multiple submitters, no conflicts (2 of 4 stars). 3 submissions from 3 submitters: Uncertain significance (2). 1 of the submissions does not count toward it. Last evaluated 2022-02-25.

Conditions:
Congenital secretory diarrhea, chloride type (DIAR1). Also called: DIARRHEA 1, SECRETORY CHLORIDE, CONGENITAL; CHLORIDORRHEA, CONGENITAL; CHLORIDE DIARRHEA, CONGENITAL, FINNISH TYPE. Identifiers: Orphanet 53689, MedGen C0267662, MONDO:0008964, OMIM 214700.

Allele frequency attached by ClinVar (database versions not stated): TOPMed 0.00001; gnomAD exomes 0.00002; ExAC 0.00001; gnomAD 0.00001.
gnomAD v4.1: 241 of 1,614,044 alleles (0.015%); highest among the groups gnomAD compares: Non-Finnish European, 0.02%; no homozygotes.

Submissions (3):

Fulgent Genetics
Classification: Uncertain significance for Congenital secretory diarrhea, chloride type. Last evaluated: 2022-02-25. Review status: criteria provided, single submitter. Criteria: ACMG Guidelines, 2015. Collection method: clinical testing. Allele origin: unknown.

Labcorp Genetics (formerly Invitae), Labcorp
Classification: Uncertain significance. Last evaluated: 2021-10-28. Review status: criteria provided, single submitter. Criteria: Invitae Variant Classification Sherloc (09022015). Collection method: clinical testing. Allele origin: germline.
Comment: This sequence change replaces glycine, which is neutral and non-polar, with alanine, which is neutral and non-polar, at codon 379 of the SLC26A3 protein (p.Gly379Ala). This variant is present in population databases (rs386833446, gnomAD 0.005%). This missense change has been observed in individual(s) with congenital chloride diarrhea (PMID: 21394828). ClinVar contains an entry for this variant (Variation ID: 55964). Advanced modeling of protein sequence and biophysical properties (such as structural, functional, and spatial information, amino acid conservation, physicochemical variation, residue mobility, and thermodynamic stability) performed at Invitae indicates that this missense variant is expected to disrupt SLC26A3 protein function. In summary, the available evidence is currently insufficient to determine the role of this variant in disease. Therefore, it has been classified as a Variant of Uncertain Significance.

Juha Muilu Group; Institute for Molecular Medicine Finland (FIMM)
Classification: Likely pathogenic for Congenital secretory diarrhea, chloride type. Review status: no assertion criteria provided. Collection method: not provided. Allele origin: unknown. Not counted in ClinVar's aggregate classification.
Comment: FinDis database variant: This variant was not found or characterized by our laboratory, data were collected from public sources: see reference
ClinVar note: Converted during submission from probable-pathogenic to Likely pathogenic.

Literature cited by the submitters: PubMed 21394828 (cited by Labcorp Genetics (formerly Invitae), Labcorp).

NM_000111.3(SLC26A3):c.1136G>C (p.Gly379Ala)

Gene: SLC26A3 (solute carrier family 26 member 3; minus strand). Cytogenetic location: 7q22.3.
Variant type: single nucleotide variant.
Coding change: c.1136G>C on transcript NM_000111.3 (MANE Select); coding-DNA position 1136, G replaced by C.
Protein change: p.Gly379Ala; replaces glycine 379 with alanine.
Molecular consequence: missense variant.
Genome position (GRCh38, 1-based): chr7:107,783,077, C>G on the plus strand (G>C on the coding strand, the complement: SLC26A3 is on the minus strand). VCF-style: chr7-107783077-C-G. GRCh37 (hg19) VCF-style: chr7-107423522-C-G.
Other names: short protein forms G379A.
Identifiers: ClinVar variation 55964 (VCV000055964.6), dbSNP rs386833446, ClinGen allele CA144040.